The following is an entry in ClinVar:

ClinVar aggregate classification (germline): Uncertain significance. Review status: criteria provided, multiple submitters, no conflicts (2 of 4 stars). 2 submissions from 2 submitters: Uncertain significance (2). Last evaluated 2025-01-17.

Conditions:
Neutropenia, severe congenital, 1, autosomal dominant. Identifiers: MedGen C1859966, MONDO:0042490, OMIM 202700.
Cyclical neutropenia. Also called: Cyclic Neutropenia; Cyclic hematopoiesis. Identifiers: Orphanet 2686, MedGen C0221023, MONDO:0008090, OMIM 162800, HP:0040289. Disease mechanism: loss of function.
Inborn genetic diseases. Identifiers: MedGen C0950123, MeSH D030342.

Allele frequency attached by ClinVar (database versions not stated): gnomAD exomes below 0.00001; TOPMed below 0.00001; gnomAD 0.00001.
gnomAD v4.1: 4 of 1,609,326 alleles (0.00025%); highest among the groups gnomAD compares: Non-Finnish European, 0.00034%; no homozygotes.

Submissions (2):

Ambry Genetics
Classification: Uncertain significance for Inborn genetic diseases. Last evaluated: 2025-01-17. Review status: criteria provided, single submitter. Criteria: Ambry Variant Classification Scheme 2023. Collection method: clinical testing. Allele origin: germline.
Comment: The p.S184N variant (also known as c.551G>A), located in coding exon 4 of the ELANE gene, results from a G to A substitution at nucleotide position 551. The serine at codon 184 is replaced by asparagine, an amino acid with highly similar properties. This amino acid position is conserved. In addition, this alteration is predicted to be tolerated by in silico analysis. Based on the available evidence, the clinical significance of this variant remains unclear.

Labcorp Genetics (formerly Invitae), Labcorp
Classification: Uncertain significance for Neutropenia, severe congenital, 1, autosomal dominant; Cyclical neutropenia. Last evaluated: 2024-03-22. Review status: criteria provided, single submitter. Criteria: Invitae Variant Classification Sherloc (09022015). Collection method: clinical testing. Allele origin: germline.
Comment: This sequence change replaces serine, which is neutral and polar, with asparagine, which is neutral and polar, at codon 184 of the ELANE protein (p.Ser184Asn). This variant is not present in population databases (gnomAD no frequency). This variant has not been reported in the literature in individuals affected with ELANE-related conditions. ClinVar contains an entry for this variant (Variation ID: 1064354). Advanced modeling of protein sequence and biophysical properties (such as structural, functional, and spatial information, amino acid conservation, physicochemical variation, residue mobility, and thermodynamic stability) performed at Invitae indicates that this missense variant is not expected to disrupt ELANE protein function with a negative predictive value of 80%. In summary, the available evidence is currently insufficient to determine the role of this variant in disease. Therefore, it has been classified as a Variant of Uncertain Significance.

NM_001972.4(ELANE):c.551G>A (p.Ser184Asn)

Gene: ELANE (elastase, neutrophil expressed; plus strand). Cytogenetic location: 19p13.3.
Variant type: single nucleotide variant.
Coding change: c.551G>A on transcript NM_001972.4 (MANE Select); coding-DNA position 551, G replaced by A.
Protein change: p.Ser184Asn; replaces serine 184 with asparagine.
Molecular consequence: missense variant.
Genome position (GRCh38, 1-based): chr19:855,748, G>A. VCF-style: chr19-855748-G-A. GRCh37 (hg19) VCF-style: chr19-855748-G-A.
Other names: c.551G>A (NM_001972.2); short protein forms S184N.
Identifiers: ClinVar variation 1064354 (VCV001064354.12), dbSNP rs1360344559, ClinGen allele CA402918649.